The following is an entry in ClinVar:

NM_002691.4(POLD1):c.2960dup (p.Asp987fs)

Gene: POLD1 (DNA polymerase delta 1, catalytic subunit; plus strand). Cytogenetic location: 19q13.33.
Variant type: Duplication.
Coding change: c.2960dup on transcript NM_002691.4 (MANE Select); coding-DNA position 2960, one base duplicated (A; older notation c.2960dupA).
Protein change: p.Asp987fs; shifts the reading frame from aspartic acid 987.
Molecular consequence: frameshift variant. On other transcripts: non-coding transcript variant (1).
Genome position (GRCh38, 1-based): chr19:50,416,616, A duplicated. VCF-style (leftmost placement, unchanged base first): chr19-50416615-G-GA. GRCh37 (hg19) VCF-style: chr19-50919872-G-GA.
Other names: c.2960dup, p.Asp987fs (NM_001256849.1); c.3038dup, p.Asp1013fs (NM_001308632.1); c.2960dupA (NM_002691.4); short protein forms D1013fs, D987fs.
Identifiers: ClinVar variation 486945 (VCV000486945.13), dbSNP rs1555793420, ClinGen allele CA658658851.

ClinVar aggregate classification (germline): Uncertain significance. Review status: criteria provided, multiple submitters, no conflicts (2 of 4 stars). 3 submissions from 3 submitters: Uncertain significance (3). Last evaluated 2025-11-25.

Conditions:
Hereditary cancer-predisposing syndrome. Also called: Tumor predisposition; Hereditary Cancer Syndrome; Hereditary neoplastic syndrome; Neoplastic Syndromes, Hereditary. Identifiers: Orphanet 140162, MedGen C0027672, MeSH D009386, MONDO:0015356.
POLD1-related polyposis and colorectal cancer syndrome (CRCS10). Also called: Colorectal cancer 10; COLORECTAL CANCER, SUSCEPTIBILITY TO, ON CHROMOSOME 19q; Colorectal cancer, susceptibility to, 10. Identifiers: Orphanet 220460, MedGen C2675481, MONDO:0012953, OMIM 612591.

Allele frequency attached by ClinVar (database versions not stated): gnomAD exomes below 0.00001.

Submissions (3):

Women's Health and Genetics/Laboratory Corporation of America, LabCorp
Classification: Uncertain significance. Last evaluated: 2025-11-25. Review status: criteria provided, single submitter. Criteria: LabCorp Variant Classification Summary - May 2015. Collection method: clinical testing. Allele origin: germline.
Comment: Variant summary: POLD1 c.2960dupA (p.Asp987GlufsX41) results in a premature termination codon, predicted to cause a truncation of the encoded protein or absence of the protein due to nonsense mediated decay, however current evidence is not sufficient to establish loss of function as a mechanism for disease. The variant was absent in 164820 control chromosomes (gnomAD). The available data on variant occurrences in the general population are insufficient to allow any conclusion about variant significance. To our knowledge, no occurrence of c.2960dupA in individuals affected with POLD1-related conditions and no experimental evidence demonstrating its impact on protein function have been reported. ClinVar contains an entry for this variant (Variation ID: 486945). Based on the evidence outlined above, the variant was classified as uncertain significance.

Ambry Genetics
Classification: Uncertain significance for Hereditary cancer-predisposing syndrome. Last evaluated: 2025-03-14. Review status: criteria provided, single submitter. Criteria: Ambry Variant Classification Scheme 2023. Collection method: clinical testing. Allele origin: germline.
Comment: The c.2960dupA variant, located in coding exon 23 of the POLD1 gene, results from a duplication of A at nucleotide position 2960, causing a translational frameshift with a predicted alternate stop codon (p.D987Efs*41). This alteration is expected to result in protein truncation or nonsense-mediated mRNA decay. However, loss of function of POLD1 has not been established as a mechanism of disease. Based on the available evidence, the clinical significance of this alteration remains unclear.

Labcorp Genetics (formerly Invitae), Labcorp
Classification: Uncertain significance for POLD1-related polyposis and colorectal cancer syndrome. Last evaluated: 2021-08-27. Review status: criteria provided, single submitter. Criteria: Invitae Variant Classification Sherloc (09022015). Collection method: clinical testing. Allele origin: germline.
Comment: This sequence change creates a premature translational stop signal (p.Asp987Glufs*41) in the POLD1 gene. Missense variants that disrupt the 3'-5' exonuclease (proof-reading) activity of the POLD1 protein are associated with an increased risk for colonic adenomatous polyps and colon cancer (PMID: 23263490, 23447401). However, loss-of-function variants that result in an absent or severely disrupted POLD1 protein, and missense variants outside the exonuclease domain, are unlikely to be associated with polyposis or colon cancer. The frequency data for this variant in the population databases is considered unreliable, as metrics indicate insufficient coverage at this position in the ExAC database. This variant has not been reported in the literature in individuals affected with POLD1-related conditions. ClinVar contains an entry for this variant (Variation ID: 486945). In summary, the available evidence is currently insufficient to determine the role of this variant in disease. Therefore, it has been classified as a Variant of Uncertain Significance.

Literature cited by the submitters: PubMed 23263490 (cited by Labcorp Genetics (formerly Invitae), Labcorp); PubMed 23447401 (cited by Labcorp Genetics (formerly Invitae), Labcorp).